The following is an entry in ClinVar:

ClinVar aggregate classification (germline): Uncertain significance. Review status: criteria provided, multiple submitters, no conflicts (2 of 4 stars). 2 submissions from 2 submitters: Uncertain significance (2). Last evaluated 2024-11-24.

Conditions:
Inborn genetic diseases. Identifiers: MedGen C0950123, MeSH D030342.

Allele frequency attached by ClinVar (database versions not stated): gnomAD exomes below 0.00001; gnomAD 0.00001; TOPMed 0.00008.
gnomAD v4.1: 6 of 1,613,440 alleles (0.00037%); highest among the groups gnomAD compares: African/African-American, 0.0027%; no homozygotes.

Submissions (2):

Ambry Genetics
Classification: Uncertain significance for Inborn genetic diseases. Last evaluated: 2024-11-24. Review status: criteria provided, single submitter. Criteria: Ambry Variant Classification Scheme 2023. Collection method: clinical testing. Allele origin: germline.

Labcorp Genetics (formerly Invitae), Labcorp
Classification: Uncertain significance. Last evaluated: 2023-12-11. Review status: criteria provided, single submitter. Criteria: Invitae Variant Classification Sherloc (09022015). Collection method: clinical testing. Allele origin: germline.
Comment: This sequence change replaces cysteine, which is neutral and slightly polar, with tyrosine, which is neutral and polar, at codon 1896 of the DNAH9 protein (p.Cys1896Tyr). This variant is not present in population databases (gnomAD no frequency). This variant has not been reported in the literature in individuals affected with DNAH9-related conditions. ClinVar contains an entry for this variant (Variation ID: 1963431). Advanced modeling of protein sequence and biophysical properties (such as structural, functional, and spatial information, amino acid conservation, physicochemical variation, residue mobility, and thermodynamic stability) performed at Invitae indicates that this missense variant is expected to disrupt DNAH9 protein function with a positive predictive value of 80%. In summary, the available evidence is currently insufficient to determine the role of this variant in disease. Therefore, it has been classified as a Variant of Uncertain Significance.

NM_001372.4(DNAH9):c.5687G>A (p.Cys1896Tyr)

Gene: DNAH9 (dynein axonemal heavy chain 9; plus strand). Cytogenetic location: 17p12.
Variant type: single nucleotide variant.
Coding change: c.5687G>A on transcript NM_001372.4 (MANE Select); coding-DNA position 5687, G replaced by A.
Protein change: p.Cys1896Tyr; replaces cysteine 1896 with tyrosine.
Molecular consequence: missense variant.
Genome position (GRCh38, 1-based): chr17:11,719,468, G>A. VCF-style: chr17-11719468-G-A. GRCh37 (hg19) VCF-style: chr17-11622785-G-A.
Other names: c.5687G>A (NM_001372.3); short protein forms C1896Y.
Identifiers: ClinVar variation 1963431 (VCV001963431.5), dbSNP rs958618549, ClinGen allele CA287801072.